The following is an entry in ClinVar:

ClinVar aggregate classification (germline): Benign/Likely benign. Review status: criteria provided, multiple submitters, no conflicts (2 of 4 stars). 5 submissions from 5 submitters: Benign (2); Likely benign (3). Last evaluated 2025-12-28.

Conditions:
Regional enteritis. Also called: Enteritis, Granulomatous. Identifiers: MedGen C0678202, MeSH D003424.
Blau syndrome (BLAUS). Also called: ARTHROCUTANEOUVEAL GRANULOMATOSIS; GRANULOMATOSIS, FAMILIAL JUVENILE SYSTEMIC; GRANULOMATOSIS, FAMILIAL, BLAU TYPE; GRANULOMATOUS INFLAMMATORY ARTHRITIS, DERMATITIS, AND UVEITIS, FAMILIAL; JABS SYNDROME. Identifiers: Orphanet 90340, MedGen C5201146, MONDO:0008523, OMIM 186580.
Autoinflammatory syndrome. Identifiers: Orphanet 93665, MedGen C3890737, MONDO:0019751.

Allele frequency attached by ClinVar (database versions not stated): gnomAD 0.00008 and 0.00025; TOPMed 0.00017; gnomAD exomes 0.00039 and 0.00090; ExAC 0.00105; 1000 Genomes Project 30x 0.00250; 1000 Genomes Project 0.00260.

Submissions (5):

Labcorp Genetics (formerly Invitae), Labcorp
Classification: Benign for Regional enteritis; Blau syndrome. Last evaluated: 2025-12-28. Review status: criteria provided, single submitter. Criteria: Invitae Variant Classification Sherloc (09022015). Collection method: clinical testing. Allele origin: germline.

Blueprint Genetics
Classification: Likely benign. Last evaluated: 2024-10-04. Review status: criteria provided, single submitter. Criteria: ACMG Guidelines, 2015. Collection method: clinical testing. Allele origin: germline.

CeGaT Center for Human Genetics Tuebingen
Classification: Likely benign. Last evaluated: 2024-06-01. Review status: criteria provided, single submitter. Criteria: CeGaT Center For Human Genetics Tuebingen Variant Classification Criteria Version 2. Collection method: clinical testing. Allele origin: germline. Affected: yes. Observed: 2 variant alleles.
Comment: NOD2: BP4, BP7, BS1

ARUP Laboratories, Molecular Genetics and Genomics, ARUP Laboratories
Classification: Benign. Last evaluated: 2024-05-03. Review status: criteria provided, single submitter. Criteria: ARUP Molecular Germline Variant Investigation Process 2024. Collection method: clinical testing. Allele origin: germline.

Genome Diagnostics Laboratory, The Hospital for Sick Children
Classification: Likely benign for Autoinflammatory syndrome. Last evaluated: 2021-06-04. Review status: criteria provided, single submitter. Criteria: ACMG Guidelines, 2015. Collection method: clinical testing. Allele origin: germline. Affected: yes.

NM_001370466.1(NOD2):c.402C>T (p.Phe134=)

Gene: NOD2 (nucleotide binding oligomerization domain containing 2; plus strand). Cytogenetic location: 16q12.1.
Variant type: single nucleotide variant.
Coding change: c.402C>T on transcript NM_001370466.1 (MANE Select); coding-DNA position 402, C replaced by T.
Protein change: p.Phe134=; no amino-acid change (phenylalanine 134 retained).
Molecular consequence: synonymous variant. On other transcripts: non-coding transcript variant (1).
Genome position (GRCh38, 1-based): chr16:50,699,897, C>T. VCF-style: chr16-50699897-C-T. GRCh37 (hg19) VCF-style: chr16-50733808-C-T.
Other names: c.402C>T, p.Phe134= (NM_001293557.2); c.483C>T, p.Phe161= (NM_022162.3).
Identifiers: ClinVar variation 733554 (VCV000733554.44), dbSNP rs565504727, ClinGen allele CA8051287.